The following is an entry in ClinVar:

ClinVar aggregate classification (germline): Uncertain significance (1 of 4 stars; one submission).

Submission:

Center for Genomic Medicine, Rigshospitalet, Copenhagen University Hospital
Classification: Uncertain significance. Last evaluated: 2025-12-29. Review status: criteria provided, single submitter. Criteria: ACMG Guidelines, 2015. Collection method: clinical testing. Allele origin: germline.
Comment: Classification criteria: PM2_supporting

NM_000038.6(APC):c.7544T>C (p.Ile2515Thr)

Gene: APC (APC regulator of Wnt signaling pathway; plus strand). Cytogenetic location: 5q22.2.
Variant type: single nucleotide variant.
Coding change: c.7544T>C on transcript NM_000038.6 (MANE Select); coding-DNA position 7544, T replaced by C.
Protein change: p.Ile2515Thr; replaces isoleucine 2515 with threonine.
Molecular consequence: missense variant. On other transcripts: non-coding transcript variant (2).
Genome position (GRCh38, 1-based): chr5:112,843,138, T>C. VCF-style: chr5-112843138-T-C. GRCh37 (hg19) VCF-style: chr5-112178835-T-C.
Other names: c.7544T>C, p.Ile2515Thr (NM_001127510.3, NM_001354895.2, NM_001407450.1); c.7490T>C, p.Ile2497Thr (NM_001127511.3); c.7598T>C, p.Ile2533Thr (NM_001354896.2, NM_001407447.1, NM_001407448.1 and 1 more transcripts); c.7574T>C, p.Ile2525Thr (NM_001354897.2); c.7469T>C, p.Ile2490Thr (NM_001354898.2); c.7460T>C, p.Ile2487Thr (NM_001354899.2); c.7421T>C, p.Ile2474Thr (NM_001354900.2); c.7367T>C, p.Ile2456Thr (NM_001354901.2, NM_001407453.1); and 11 more; short protein forms I2131T, I2232T, I2355T, I2386T, I2389T, I2414T, I2424T, I2432T.
Identifiers: ClinVar variation 4539463 (VCV004539463.1).